The following is an entry in ClinVar:

ClinVar aggregate classification (germline): Likely benign. Review status: criteria provided, multiple submitters, no conflicts (2 of 4 stars). 2 submissions from 2 submitters: Likely benign (2). Last evaluated 2026-05-01.

Conditions:
IFT27-related disorder. Also called: IFT27-related condition.

Allele frequency attached by ClinVar (database versions not stated): TOPMed 0.00001.

Submissions (2):

PreventionGenetics, part of Exact Sciences
Classification: Likely benign for IFT27-related condition. Last evaluated: 2026-05-01. Review status: criteria provided, single submitter. Criteria: ACMG Guidelines, 2015. Collection method: clinical testing. Allele origin: germline.
Comment: This variant is classified as likely benign based on ACMG/AMP sequence variant interpretation guidelines (Richards et al. 2015 PMID: 25741868, with internal and published modifications).

Labcorp Genetics (formerly Invitae), Labcorp
Classification: Likely benign. Last evaluated: 2025-11-10. Review status: criteria provided, single submitter. Criteria: Invitae Variant Classification Sherloc (09022015). Collection method: clinical testing. Allele origin: germline.

NM_001177701.3(IFT27):c.235-8T>A

Genes: CACNG2-DT (CACNG2 divergent transcript; plus strand), IFT27 (intraflagellar transport 27; minus strand). Cytogenetic location: 22q12.3.
Variant type: single nucleotide variant.
Coding change: c.235-8T>A on transcript NM_001177701.3 (MANE Select); 8 bases into the intron before coding-DNA position 235, T replaced by A.
Molecular consequence: intron variant.
Genome position (GRCh38, 1-based): chr22:36,764,044, A>T on the plus strand (T>A on the coding strand, the complement: IFT27 is on the minus strand). VCF-style: chr22-36764044-A-T. GRCh37 (hg19) VCF-style: chr22-37160088-A-T.
Other names: c.235-8T>A (NM_001363003.2); c.232-8T>A (NM_006860.5, NM_006860.4).
Identifiers: ClinVar variation 2039407 (VCV002039407.5), dbSNP rs1938173362, ClinGen allele CA2404023302.
Genomic context (GRCh38, chr22:36,764,044, plus strand): 5'-GATTCTTCATTGGTCACATCATAGACGAGACATAAGACATTGGGACTCTCCCACTGTGCA[A>T]GAGGGACAGGATGAGTATGGGTCAGTAACAGGAAAAGTGACTTCAAGGCTGGGAGACAAT-3'